The following is an entry in ClinVar:

NM_152594.3(SPRED1):c.176T>A (p.Phe59Tyr)

Gene: SPRED1 (sprouty related EVH1 domain containing 1; plus strand). Cytogenetic location: 15q14.
Variant type: single nucleotide variant.
Coding change: c.176T>A on transcript NM_152594.3 (MANE Select); coding-DNA position 176, T replaced by A.
Protein change: p.Phe59Tyr; replaces phenylalanine 59 with tyrosine.
Molecular consequence: missense variant.
Genome position (GRCh38, 1-based): chr15:38,299,516, T>A. VCF-style: chr15-38299516-T-A. GRCh37 (hg19) VCF-style: chr15-38591717-T-A.
Other names: short protein forms F59Y.
Identifiers: ClinVar variation 4174060 (VCV004174060.1).

ClinVar aggregate classification (germline): Uncertain significance (1 of 4 stars; one submission).

Conditions:
Cardiovascular phenotype. Identifiers: MedGen CN230736.

Submission:

Ambry Genetics
Classification: Uncertain significance for Cardiovascular phenotype. Last evaluated: 2025-08-30. Review status: criteria provided, single submitter. Criteria: Ambry Variant Classification Scheme 2023. Collection method: clinical testing. Allele origin: germline.
Comment: The p.F59Y variant (also known as c.176T>A), located in coding exon 2 of the SPRED1 gene, results from a T to A substitution at nucleotide position 176. The phenylalanine at codon 59 is replaced by tyrosine, an amino acid with highly similar properties. This amino acid position is conserved. In addition, the in silico prediction for this alteration is inconclusive. Based on the available evidence, the clinical significance of this variant remains unclear.